The following is an entry in ClinVar:

NM_001291088.2(WDR87):c.4391G>A (p.Arg1464Lys)

Gene: WDR87 (WD repeat domain 87; minus strand). Cytogenetic location: 19q13.13.
Variant type: single nucleotide variant.
Coding change: c.4391G>A on transcript NM_001291088.2 (MANE Select); coding-DNA position 4391, G replaced by A.
Protein change: p.Arg1464Lys; replaces arginine 1464 with lysine.
Molecular consequence: missense variant.
Genome position (GRCh38, 1-based): chr19:37,889,280, C>T on the plus strand (G>A on the coding strand, the complement: WDR87 is on the minus strand). VCF-style: chr19-37889280-C-T. GRCh37 (hg19) VCF-style: chr19-38379920-C-T.
Other names: c.4274G>A, p.Arg1425Lys (NM_031951.5); c.4274G>A (NM_031951.3); short protein forms R1425K, R1464K.
Identifiers: ClinVar variation 1925781 (VCV001925781.6), dbSNP rs1434141807, ClinGen allele CA405608747.
Genomic context (GRCh38, chr19:37,889,280, plus strand): 5'-TCTTGTTTGACCACTTTCTCCTCTAGTGTGGCCATTTCCTCCACTTCCTCACTCATATCC[C>T]TCTCTTCTTTGGTCATTTCCCTCTTTATTTTTCCTACTTTTCTTTCCTTCTGGACAGCTT-3'
Protein context (NP_001278017.1, residues 1454-1474): KIKREMTKEE[Arg1464Lys]DMSEEVEEMA

ClinVar aggregate classification (germline): Uncertain significance. Review status: criteria provided, multiple submitters, no conflicts (2 of 4 stars). 2 submissions from 2 submitters: Uncertain significance (2). Last evaluated 2025-11-17.

Allele frequency attached by ClinVar (database versions not stated): gnomAD 0.00001; gnomAD exomes 0.00001.

Submissions (2):

Labcorp Genetics (formerly Invitae), Labcorp
Classification: Uncertain significance. Last evaluated: 2025-11-17. Review status: criteria provided, single submitter. Criteria: Invitae Variant Classification Sherloc (09022015). Collection method: clinical testing. Allele origin: germline.
Comment: This sequence change replaces arginine, which is basic and polar, with lysine, which is basic and polar, at codon 1425 of the WDR87 protein (p.Arg1425Lys). This variant is present in population databases (no rsID available, gnomAD 0.003%). This variant has not been reported in the literature in individuals affected with WDR87-related conditions. ClinVar contains an entry for this variant (Variation ID: 1925781). An algorithm developed to predict the effect of missense changes on protein structure and function outputs the following: PolyPhen-2: "Benign". The lysine amino acid residue is found in multiple mammalian species, which suggests that this missense change does not adversely affect protein function. In summary, the available evidence is currently insufficient to determine the role of this variant in disease. Therefore, it has been classified as a Variant of Uncertain Significance.

Ambry Genetics
Classification: Uncertain significance. Last evaluated: 2024-09-30. Review status: criteria provided, single submitter. Criteria: Ambry Variant Classification Scheme 2023. Collection method: clinical testing. Allele origin: germline.